The following is an entry in ClinVar:

ClinVar aggregate classification (germline): Uncertain significance (1 of 4 stars; one submission).

Conditions:
46,XY sex reversal 6. Also called: 46,XY SEX REVERSAL, PARTIAL OR COMPLETE, MAP3K1-RELATED; 46,XY GONADAL DYSGENESIS, PARTIAL OR COMPLETE, MAP3K1-RELATED. Identifiers: MedGen C3151064, MONDO:0013410, OMIM 613762.

Submission:

Labcorp Genetics (formerly Invitae), Labcorp
Classification: Uncertain significance for 46,XY sex reversal 6. Last evaluated: 2024-04-29. Review status: criteria provided, single submitter. Criteria: Invitae Variant Classification Sherloc (09022015). Collection method: clinical testing. Allele origin: germline.
Comment: This sequence change replaces tyrosine, which is neutral and polar, with phenylalanine, which is neutral and non-polar, at codon 544 of the MAP3K1 protein (p.Tyr544Phe). This variant is not present in population databases (gnomAD no frequency). This variant has not been reported in the literature in individuals affected with MAP3K1-related conditions. ClinVar contains an entry for this variant (Variation ID: 1974620). Advanced modeling of protein sequence and biophysical properties (such as structural, functional, and spatial information, amino acid conservation, physicochemical variation, residue mobility, and thermodynamic stability) performed at Invitae indicates that this missense variant is not expected to disrupt MAP3K1 protein function with a negative predictive value of 80%. In summary, the available evidence is currently insufficient to determine the role of this variant in disease. Therefore, it has been classified as a Variant of Uncertain Significance.

NM_005921.2(MAP3K1):c.1631A>T (p.Tyr544Phe)

Gene: MAP3K1 (mitogen-activated protein kinase kinase kinase 1; plus strand). Cytogenetic location: 5q11.2.
Variant type: single nucleotide variant.
Coding change: c.1631A>T on transcript NM_005921.2 (MANE Select); coding-DNA position 1631, A replaced by T.
Protein change: p.Tyr544Phe; replaces tyrosine 544 with phenylalanine.
Molecular consequence: missense variant.
Genome position (GRCh38, 1-based): chr5:56,872,950, A>T. VCF-style: chr5-56872950-A-T. GRCh37 (hg19) VCF-style: chr5-56168777-A-T.
Other names: short protein forms Y544F.
Identifiers: ClinVar variation 1974620 (VCV001974620.5), dbSNP rs2530928895, ClinGen allele CA359779653.
Genomic context (GRCh38, chr5:56,872,950, plus strand): 5'-AGCAGCAGCCTTTGGCTGGATCACGAAGGAATCAAGAGAGCAATTTTAACCTTACTCATT[A>T]TGGAACTCAGCAAATCCCTCCTGCTTACAAAGATTTAGCTGAGCCATGGATTCAGGTAAG-3'
Protein context (NP_005912.1, residues 534-554): NQESNFNLTH[Tyr544Phe]GTQQIPPAYK